The following is an entry in ClinVar:

NM_015665.6(AAAS):c.991T>C (p.Cys331Arg)

Gene: AAAS (aladin WD repeat nucleoporin; minus strand). Cytogenetic location: 12q13.13.
Variant type: single nucleotide variant.
Coding change: c.991T>C on transcript NM_015665.6 (MANE Select); coding-DNA position 991, T replaced by C.
Protein change: p.Cys331Arg; replaces cysteine 331 with arginine.
Molecular consequence: missense variant.
Genome position (GRCh38, 1-based): chr12:53,308,965, A>G on the plus strand (T>C on the coding strand, the complement: AAAS is on the minus strand). VCF-style: chr12-53308965-A-G. GRCh37 (hg19) VCF-style: chr12-53702749-A-G.
Other names: c.892T>C, p.Cys298Arg (NM_001173466.2); short protein forms C298R, C331R.
Identifiers: ClinVar variation 2137375 (VCV002137375.4), dbSNP rs1944342011, ClinGen allele CA385041034.
Genomic context (GRCh38, chr12:53,308,965, plus strand): 5'-GGGCCCATTGGAATCATCTCCTCCCCAGTGTCTGTGAATCAGAGTCCCCTCTTACCTGAC[A>G]GCGCCCTGATAGAGTAGGCCACCTCTCACAAGTCCACATCTGGGCCTCCCAGACTCTGAG-3'
Protein context (NP_056480.1, residues 321-341): CERWPTLSGR[Cys331Arg]QTGCWSPDGS

ClinVar aggregate classification (germline): Uncertain significance (1 of 4 stars; one submission).

Allele frequency attached by ClinVar (database versions not stated): gnomAD 0.00001; TOPMed 0.00001.
gnomAD v4.1: 1 of 1,614,078 alleles (0.000062%); highest among the groups gnomAD compares: African/African-American, 0.0013%; no homozygotes.

Submission:

Labcorp Genetics (formerly Invitae), Labcorp
Classification: Uncertain significance. Last evaluated: 2023-10-09. Review status: criteria provided, single submitter. Criteria: Invitae Variant Classification Sherloc (09022015). Collection method: clinical testing. Allele origin: germline.
Comment: This sequence change replaces cysteine, which is neutral and slightly polar, with arginine, which is basic and polar, at codon 331 of the AAAS protein (p.Cys331Arg). This variant is not present in population databases (gnomAD no frequency). This missense change has been observed in individual(s) with achalasia-addisonianism-alacrimia syndrome (PMID: 21656342). ClinVar contains an entry for this variant (Variation ID: 2137375). Advanced modeling of protein sequence and biophysical properties (such as structural, functional, and spatial information, amino acid conservation, physicochemical variation, residue mobility, and thermodynamic stability) performed at Invitae indicates that this missense variant is expected to disrupt AAAS protein function. In summary, the available evidence is currently insufficient to determine the role of this variant in disease. Therefore, it has been classified as a Variant of Uncertain Significance.

Literature cited by the submitters: PubMed 21656342.